The following is an entry in ClinVar:

NM_006846.4(SPINK5):c.834A>C (p.Gln278His)

Gene: SPINK5 (serine peptidase inhibitor Kazal type 5; plus strand). Cytogenetic location: 5q32.
Variant type: single nucleotide variant.
Coding change: c.834A>C on transcript NM_006846.4 (MANE Select); coding-DNA position 834, A replaced by C.
Protein change: p.Gln278His; replaces glutamine 278 with histidine.
Molecular consequence: missense variant.
Genome position (GRCh38, 1-based): chr5:148,095,857, A>C. VCF-style: chr5-148095857-A-C. GRCh37 (hg19) VCF-style: chr5-147475420-A-C.
Other names: c.834A>C, p.Gln278His (NM_001127698.2, NM_001127699.2); short protein forms Q278H.
Identifiers: ClinVar variation 351520 (VCV000351520.11), dbSNP rs201354872, ClinGen allele CA3495376.

ClinVar aggregate classification (germline): Uncertain significance. Review status: criteria provided, multiple submitters, no conflicts (2 of 4 stars). 3 submissions from 3 submitters: Uncertain significance (3). Last evaluated 2023-10-13.

Conditions:
Inborn genetic diseases. Identifiers: MedGen C0950123, MeSH D030342.
Ichthyosis linearis circumflexa. Identifiers: MedGen C0265962, MONDO:0043106, HP:0025810.
Netherton syndrome (NETH). Also called: NETHERTON DISEASE; ERYTHRODERMA, ICHTHYOSIFORM, WITH HYPOTRICHOSIS AND HYPER-IgE; COMEL-NETHERTON SYNDROME. Identifiers: Orphanet 634, MedGen C5574950, MONDO:0009735, OMIM 256500.

Allele frequency attached by ClinVar (database versions not stated): TOPMed 0.00003; gnomAD 0.00004; gnomAD exomes 0.00004 and 0.00009; ExAC 0.00007; ESP Exome Variant Server 0.00009.
gnomAD v4.1: 137 of 1,612,380 alleles (0.0085%); highest among the groups gnomAD compares: Non-Finnish European, 0.011%; no homozygotes.

Submissions (3):

Labcorp Genetics (formerly Invitae), Labcorp
Classification: Uncertain significance for Ichthyosis linearis circumflexa. Last evaluated: 2023-10-13. Review status: criteria provided, single submitter. Criteria: Invitae Variant Classification Sherloc (09022015). Collection method: clinical testing. Allele origin: germline.
Comment: This sequence change replaces glutamine, which is neutral and polar, with histidine, which is basic and polar, at codon 278 of the SPINK5 protein (p.Gln278His). This variant is present in population databases (rs201354872, gnomAD 0.009%). This variant has not been reported in the literature in individuals affected with SPINK5-related conditions. ClinVar contains an entry for this variant (Variation ID: 351520). Advanced modeling of protein sequence and biophysical properties (such as structural, functional, and spatial information, amino acid conservation, physicochemical variation, residue mobility, and thermodynamic stability) performed at Invitae indicates that this missense variant is not expected to disrupt SPINK5 protein function. In summary, the available evidence is currently insufficient to determine the role of this variant in disease. Therefore, it has been classified as a Variant of Uncertain Significance.

Ambry Genetics
Classification: Uncertain significance for Inborn genetic diseases. Last evaluated: 2023-01-09. Review status: criteria provided, single submitter. Criteria: Ambry Variant Classification Scheme 2023. Collection method: clinical testing. Allele origin: germline.

Illumina Laboratory Services, Illumina
Classification: Uncertain significance for Netherton syndrome. Last evaluated: 2018-01-13. Review status: criteria provided, single submitter. Criteria: ICSL Variant Classification Criteria 13 December 2019. Collection method: clinical testing. Allele origin: germline.